The following is an entry in ClinVar:

ClinVar aggregate classification (germline): Likely pathogenic (1 of 4 stars; one submission).

Conditions:
alpha Thalassemia. Also called: Alpha thalassemia spectrum. Identifiers: Orphanet 846, MedGen C0002312, MONDO:0011399, OMIM 604131.

Submission:

Natera, Inc.
Classification: Likely pathogenic for Alpha thalassemia. Last evaluated: 2025-12-11. Review status: criteria provided, single submitter. Criteria: Natera Variant Classification Schema (03/2026). Collection method: clinical testing. Allele origin: germline.
Comment: The c.195_196insAT variant in HBA1 is a frameshift variant predicted to shift the reading frame beginning at codon 66 and leads to a stop codon 3 codons downstream. This variant is expected to result in nonsense mediated decay, truncation, or a dysfunctional protein product. This variant is rare in the general population with a frequency below the threshold expected for the associated phenotype(s). Given the available evidence, this variant is classified as Likely Pathogenic.

NM_000558.5(HBA1):c.195_196insAT (p.Ala66fs)

Genes: HBA1 (hemoglobin subunit alpha 1; plus strand), LOC106804613 (hemoglobin subunit alpha 1 recombination region; plus strand). Cytogenetic location: 16p13.3.
Variant type: Insertion.
Coding change: c.195_196insAT on transcript NM_000558.5 (MANE Select); coding-DNA positions 195 to 196, AT inserted.
Protein change: p.Ala66fs; shifts the reading frame from alanine 66.
Molecular consequence: frameshift variant.
Genome position: GRCh38 VCF-style: chr16-177028-C-CAT. GRCh37 (hg19) VCF-style: chr16-227027-C-CAT.
Other names: short protein forms A66fs.
Identifiers: ClinVar variation 4814385 (VCV004814385.1).